The following is an entry in ClinVar:

ClinVar aggregate classification (germline): Uncertain significance (1 of 4 stars; one submission).

Conditions:
Cardiovascular phenotype. Identifiers: MedGen CN230736.

Submission:

Ambry Genetics
Classification: Uncertain significance for Cardiovascular phenotype. Last evaluated: 2026-07-19. Review status: criteria provided, single submitter. Criteria: Ambry Variant Classification Scheme 2023. Collection method: clinical testing. Allele origin: germline.
Comment: The p.R82W variant (also known as c.244C>T), located in coding exon 3 of the TBX5 gene, results from a C to T substitution at nucleotide position 244. The arginine at codon 82 is replaced by tryptophan, an amino acid with dissimilar properties. This amino acid position is conserved. In addition, this alteration is predicted to be deleterious by in silico analysis. Based on the available evidence, the clinical significance of this variant remains unclear.

NM_181486.4(TBX5):c.244C>T (p.Arg82Trp)

Gene: TBX5 (T-box transcription factor 5; minus strand). Cytogenetic location: 12q24.21.
Variant type: single nucleotide variant.
Coding change: c.244C>T on transcript NM_181486.4 (MANE Select); coding-DNA position 244, C replaced by T.
Protein change: p.Arg82Trp; replaces arginine 82 with tryptophan.
Molecular consequence: missense variant.
Genome position (GRCh38, 1-based): chr12:114,399,631, G>A on the plus strand (C>T on the coding strand, the complement: TBX5 is on the minus strand). VCF-style: chr12-114399631-G-A. GRCh37 (hg19) VCF-style: chr12-114837436-G-A.
Other names: c.244C>T, p.Arg82Trp (NM_000192.3); c.94C>T, p.Arg32Trp (NM_080717.4); short protein forms R82W, R32W.
Identifiers: ClinVar variation 5030561 (VCV005030561.1).